The following is an entry in ClinVar:

NM_001303256.3(MORC2):c.1748C>T (p.Pro583Leu)

Gene: MORC2 (MORC family CW-type zinc finger 2; minus strand). Cytogenetic location: 22q12.2.
Variant type: single nucleotide variant.
Coding change: c.1748C>T on transcript NM_001303256.3 (MANE Select); coding-DNA position 1748, C replaced by T.
Protein change: p.Pro583Leu; replaces proline 583 with leucine.
Molecular consequence: missense variant.
Genome position (GRCh38, 1-based): chr22:30,935,312, G>A on the plus strand (C>T on the coding strand, the complement: MORC2 is on the minus strand). VCF-style: chr22-30935312-G-A. GRCh37 (hg19) VCF-style: chr22-31331299-G-A.
Other names: c.1748C>T, p.Pro583Leu (NM_001303257.2); c.1562C>T, p.Pro521Leu (NM_014941.3); short protein forms P521L, P583L.
Identifiers: ClinVar variation 4795837 (VCV004795837.1).

ClinVar aggregate classification (germline): Likely benign (1 of 4 stars; one submission).

Conditions:
Charcot-Marie-Tooth disease axonal type 2Z. Also called: CHARCOT-MARIE-TOOTH DISEASE, AXONAL, AUTOSOMAL DOMINANT, TYPE 2Z; CHARCOT-MARIE-TOOTH NEUROPATHY, TYPE 2Z. Identifiers: Orphanet 466768, MedGen C5569025, MONDO:0014736, OMIM 616688.

Submission:

Centre for Medical Genetics,  Mumbai
Classification: Likely benign for Charcot-Marie-Tooth disease axonal type 2Z. Last evaluated: 2026-02-16. Review status: criteria provided, single submitter. Criteria: ACMG Guidelines, 2015. Collection method: provider interpretation. Allele origin: germline. Inheritance: Autosomal dominant inheritance. Affected: no. Observed: 1 heterozygote.
Comment: The variant satisfies PM2 criteria; Extremely low frequency in gnomAD population databases. The variant satisfies PP2 criteria; Missense variant in a gene with low rate of benign missense mutations and for which missense mutation is a common mechanism of a disease. The variant satisfies BP4 criteria; For a missense or a splice region variant, computational prediction tools unanimously support a benign effect on the gene. However, the variant satisfies BS2 criteria.

Literature cited by the submitters: PubMed 26497905.